The following is an entry in ClinVar:

NM_001848.3(COL6A1):c.1069C>A (p.Pro357Thr)

Gene: COL6A1 (collagen type VI alpha 1 chain; plus strand). Cytogenetic location: 21q22.3.
Variant type: single nucleotide variant.
Coding change: c.1069C>A on transcript NM_001848.3 (MANE Select); coding-DNA position 1069, C replaced by A.
Protein change: p.Pro357Thr; replaces proline 357 with threonine.
Molecular consequence: missense variant.
Genome position (GRCh38, 1-based): chr21:45,990,991, C>A. VCF-style: chr21-45990991-C-A. GRCh37 (hg19) VCF-style: chr21-47410905-C-A.
Other names: short protein forms P357T.
Identifiers: ClinVar variation 1425537 (VCV001425537.9), dbSNP rs762443936, ClinGen allele CA410523607.

ClinVar aggregate classification (germline): Uncertain significance (1 of 4 stars; one submission).

Conditions:
Bethlem myopathy 1A. Also called: MYOPATHY, BENIGN CONGENITAL, WITH CONTRACTURES; Bethlem Muscular Dystrophy; Bethlem myopathy 1. Identifiers: Orphanet 610, MedGen CN029274, MONDO:0024530, OMIM 158810.

gnomAD v4.1: 2 of 1,613,388 alleles (0.00012%); highest among the groups gnomAD compares: Non-Finnish European, 0.000085%; no homozygotes.

Submission:

Labcorp Genetics (formerly Invitae), Labcorp
Classification: Uncertain significance for Bethlem myopathy 1A. Last evaluated: 2022-07-26. Review status: criteria provided, single submitter. Criteria: Invitae Variant Classification Sherloc (09022015). Collection method: clinical testing. Allele origin: germline.
Comment: This sequence change replaces proline, which is neutral and non-polar, with threonine, which is neutral and polar, at codon 357 of the COL6A1 protein (p.Pro357Thr). In summary, the available evidence is currently insufficient to determine the role of this variant in disease. Therefore, it has been classified as a Variant of Uncertain Significance. Algorithms developed to predict the effect of missense changes on protein structure and function are either unavailable or do not agree on the potential impact of this missense change (SIFT: "Tolerated"; PolyPhen-2: "Not Available"; Align-GVGD: "Class C0"). ClinVar contains an entry for this variant (Variation ID: 1425537). This variant has not been reported in the literature in individuals affected with COL6A1-related conditions. This variant is present in population databases (no rsID available, gnomAD 0.004%).